The following is an entry in ClinVar:

NM_152384.3(BBS5):c.501T>A (p.Val167=)

Gene: BBS5 (Bardet-Biedl syndrome 5; plus strand). Cytogenetic location: 2q31.1.
Variant type: single nucleotide variant.
Coding change: c.501T>A on transcript NM_152384.3 (MANE Select); coding-DNA position 501, T replaced by A.
Protein change: p.Val167=; no amino-acid change (valine 167 retained).
Molecular consequence: synonymous variant.
Genome position (GRCh38, 1-based): chr2:169,492,988, T>A. VCF-style: chr2-169492988-T-A. GRCh37 (hg19) VCF-style: chr2-170349498-T-A.
Other names: p.Val167=.
Identifiers: ClinVar variation 262637 (VCV000262637.13), dbSNP rs75690869, ClinGen allele CA1956215.
Genomic context (GRCh38, chr2:169,492,988, plus strand): 5'-TCAGAACAAGCAACTAAGACTGTTGCCACAAGAACATGTATATGATAAAATAAATGGAGT[T>A]TGGAATTTATCCAGTGATCAGGTATTGTGCAAAGAGCTAGTGAACCTTTTGGGACAGTGT-3'
Protein context (NP_689597.1, residues 157-177): QEHVYDKING[Val167=]WNLSSDQGNL

ClinVar aggregate classification (germline): Benign. Review status: criteria provided, multiple submitters, no conflicts (2 of 4 stars). 4 submissions from 4 submitters: Benign (4). Last evaluated 2026-01-31.

Conditions:
Bardet-Biedl syndrome (BBS). Identifiers: Orphanet 110, MedGen C0752166, MONDO:0015229.

Allele frequency attached by ClinVar (database versions not stated): gnomAD exomes 0.00229; ExAC 0.00283; gnomAD 0.00879; ESP Exome Variant Server 0.01000; 1000 Genomes Project 0.01038; 1000 Genomes Project 30x 0.01077; TOPMed 0.01094.
gnomAD v4.1: 2,740 of 1,613,694 alleles (0.17%); highest among the groups gnomAD compares: African/African-American, 3.2%; 58 homozygotes.

Submissions (4):

Labcorp Genetics (formerly Invitae), Labcorp
Classification: Benign for Bardet-Biedl syndrome. Last evaluated: 2026-01-31. Review status: criteria provided, single submitter. Criteria: Invitae Variant Classification Sherloc (09022015). Collection method: clinical testing. Allele origin: germline.

Mayo Clinic Laboratories, Mayo Clinic
Classification: Benign. Last evaluated: 2024-09-26. Review status: criteria provided, single submitter. Criteria: ACMG Guidelines, 2015. Collection method: clinical testing. Allele origin: germline. Observed: 1 variant allele.
Comment: BS1, BS2, BP4, BP7

Breakthrough Genomics
Classification: Benign. Review status: criteria provided, single submitter. Criteria: ACMG Guidelines, 2015. Collection method: not provided. Allele origin: germline. Inheritance: Autosomal recessive inheritance. Affected: yes.

PreventionGenetics, part of Exact Sciences
Classification: Benign. Review status: criteria provided, single submitter. Criteria: ACMG Guidelines, 2015. Collection method: clinical testing. Allele origin: germline.